The following is an entry in ClinVar:

NM_003265.3(TLR3):c.1911G>A (p.Leu637=)

Gene: TLR3 (toll like receptor 3; plus strand). Cytogenetic location: 4q35.1.
Variant type: single nucleotide variant.
Coding change: c.1911G>A on transcript NM_003265.3 (MANE Select); coding-DNA position 1911, G replaced by A.
Protein change: p.Leu637=; no amino-acid change (leucine 637 retained).
Molecular consequence: synonymous variant.
Genome position (GRCh38, 1-based): chr4:186,083,597, G>A. VCF-style: chr4-186083597-G-A. GRCh37 (hg19) VCF-style: chr4-187004751-G-A.
Identifiers: ClinVar variation 2428391 (VCV002428391.9), dbSNP rs574038103, ClinGen allele CA3161490.
Genomic context (GRCh38, chr4:186,083,597, plus strand): 5'-TCAGAAGAATCTCATAACATCCGTTGAGAAGAAGGTTTTCGGGCCAGCTTTCAGGAACCT[G>A]ACTGAGTTAGATATGCGCTTTAATCCCTTTGATTGCACGTGTGAAAGTATTGCCTGGTTT-3'
Protein context (NP_003256.1, residues 627-647): KKVFGPAFRN[Leu637=]TELDMRFNPF

ClinVar aggregate classification (germline): Likely benign. Review status: criteria provided, multiple submitters, no conflicts (2 of 4 stars). 2 submissions from 2 submitters: Likely benign (2). Last evaluated 2026-09-21.

Conditions:
Encephalopathy, acute, infection-induced (herpes-specific), susceptibility to, 1. Also called: Herpes simplex encephalitis, susceptibility to, 1. Identifiers: Orphanet 1930, MedGen C2750180, MONDO:0024563, OMIM 610551.
TLR3-related disorder. Also called: TLR3-related condition.

Allele frequency attached by ClinVar (database versions not stated): ExAC 0.00011; 1000 Genomes Project 30x 0.00031; 1000 Genomes Project 0.00040.
gnomAD v4.1: 85 of 1,611,580 alleles (0.0053%); highest among the groups gnomAD compares: South Asian, 0.083%; 1 homozygote.

Submissions (2):

PreventionGenetics, part of Exact Sciences
Classification: Likely benign for TLR3-related condition. Last evaluated: 2026-09-21. Review status: criteria provided, single submitter. Criteria: ACMG Guidelines, 2015. Collection method: clinical testing. Allele origin: germline.
Comment: This variant is classified as likely benign based on ACMG/AMP sequence variant interpretation guidelines (Richards et al. 2015 PMID: 25741868, with internal and published modifications).

Labcorp Genetics (formerly Invitae), Labcorp
Classification: Likely benign for Encephalopathy, acute, infection-induced (herpes-specific), susceptibility to, 1. Last evaluated: 2024-03-04. Review status: criteria provided, single submitter. Criteria: Invitae Variant Classification Sherloc (09022015). Collection method: clinical testing. Allele origin: germline.